The following is an entry in ClinVar:

ClinVar aggregate classification (germline): Uncertain significance. Review status: criteria provided, multiple submitters, no conflicts (2 of 4 stars). 2 submissions from 2 submitters: Uncertain significance (2). Last evaluated 2025-08-18.

Conditions:
Hereditary cancer-predisposing syndrome. Also called: Neoplastic Syndromes, Hereditary; Tumor predisposition; Hereditary Cancer Syndrome; Hereditary neoplastic syndrome. Identifiers: Orphanet 140162, MedGen C0027672, MeSH D009386, MONDO:0015356.
Carney complex, type 1 (CNC1). Also called: CARNEY COMPLEX, TYPE I; CARNEY MYXOMA-ENDOCRINE COMPLEX. Identifiers: Orphanet 1359, MedGen C2607929, MONDO:0008057, OMIM 160980.

Submissions (2):

Labcorp Genetics (formerly Invitae), Labcorp
Classification: Uncertain significance for Carney complex, type 1. Last evaluated: 2025-08-18. Review status: criteria provided, single submitter. Criteria: Invitae Variant Classification Sherloc (09022015). Collection method: clinical testing. Allele origin: germline.
Comment: This sequence change replaces isoleucine, which is neutral and non-polar, with valine, which is neutral and non-polar, at codon 27 of the PRKAR1A protein (p.Ile27Val). This variant is not present in population databases (gnomAD no frequency). This variant has not been reported in the literature in individuals affected with PRKAR1A-related conditions. ClinVar contains an entry for this variant (Variation ID: 1761559). Invitae Evidence Modeling of protein sequence and biophysical properties (such as structural, functional, and spatial information, amino acid conservation, physicochemical variation, residue mobility, and thermodynamic stability) indicates that this missense variant is not expected to disrupt PRKAR1A protein function with a negative predictive value of 95%. In summary, the available evidence is currently insufficient to determine the role of this variant in disease. Therefore, it has been classified as a Variant of Uncertain Significance.

Ambry Genetics
Classification: Uncertain significance for Hereditary cancer-predisposing syndrome. Last evaluated: 2025-04-10. Review status: criteria provided, single submitter. Criteria: Ambry Variant Classification Scheme 2023. Collection method: clinical testing. Allele origin: germline.
Comment: The p.I27V variant (also known as c.79A>G), located in coding exon 1 of the PRKAR1A gene, results from an A to G substitution at nucleotide position 79. The isoleucine at codon 27 is replaced by valine, an amino acid with highly similar properties. This amino acid position is conserved. In addition, the in silico prediction for this alteration is inconclusive. Since supporting evidence is limited at this time, the clinical significance of this alteration remains unclear.

NM_002734.5(PRKAR1A):c.79A>G (p.Ile27Val)

Gene: PRKAR1A (protein kinase cAMP-dependent type I regulatory subunit alpha; plus strand). Cytogenetic location: 17q24.2.
Variant type: single nucleotide variant.
Coding change: c.79A>G on transcript NM_002734.5 (MANE Select); coding-DNA position 79, A replaced by G.
Protein change: p.Ile27Val; replaces isoleucine 27 with valine.
Molecular consequence: missense variant.
Genome position (GRCh38, 1-based): chr17:68,515,478, A>G. VCF-style: chr17-68515478-A-G. GRCh37 (hg19) VCF-style: chr17-66511619-A-G.
Other names: c.79A>G, p.Ile27Val (NM_001276289.2, NM_001276290.1, NM_001278433.2 and 4 more transcripts); short protein forms I27V.
Identifiers: ClinVar variation 1761559 (VCV001761559.8), dbSNP rs2509358164, ClinGen allele CA400751924.
Genomic context (GRCh38, chr17:68,515,478, plus strand): 5'-GCCGCCAGTGAGGAGGCACGCAGCCTTCGAGAATGTGAGCTCTACGTCCAGAAGCATAAC[A>G]TTCAAGCGCTGCTCAAAGATTCTATTGTGCAGTTGTGCACTGCTCGACCTGAGAGACCCA-3'
Protein context (NP_002725.1, residues 17-37): ECELYVQKHN[Ile27Val]QALLKDSIVQ